The following is an entry in ClinVar:

ClinVar aggregate classification (germline): Conflicting classifications of pathogenicity. Review status: criteria provided, conflicting classifications (1 of 4 stars). 3 submissions from 3 submitters: Uncertain significance (2); Likely benign (1). Last evaluated 2025-06-03.

Conditions:
F13A1-related disorder. Also called: F13A1-related condition.
Inborn genetic diseases. Identifiers: MedGen C0950123, MeSH D030342.
Factor XIII, A subunit, deficiency of. Also called: Factor XIII subunit A deficiency. Identifiers: Orphanet 331, MedGen C2750514, MONDO:0013187, OMIM 613225, HP:0040233.

Allele frequency attached by ClinVar (database versions not stated): ExAC 0.00002; gnomAD exomes 0.00002 and 0.00003; ESP Exome Variant Server 0.00008; gnomAD 0.00015 and 0.00016; TOPMed 0.00017; 1000 Genomes Project 0.00020; 1000 Genomes Project 30x 0.00031.
gnomAD v4.1: 69 of 1,614,090 alleles (0.0043%); highest among the groups gnomAD compares: African/African-American, 0.037%; no homozygotes.

Submissions (3):

Ambry Genetics
Classification: Likely benign for Inborn genetic diseases. Last evaluated: 2025-06-03. Review status: criteria provided, single submitter. Criteria: Ambry Variant Classification Scheme 2023. Collection method: clinical testing. Allele origin: germline.

PreventionGenetics, part of Exact Sciences
Classification: Uncertain significance for F13A1-related condition. Last evaluated: 2024-10-25. Review status: criteria provided, single submitter. Criteria: ACMG Guidelines, 2015. Collection method: clinical testing. Allele origin: germline.
Comment: The F13A1 c.911G>A variant is predicted to result in the amino acid substitution p.Arg304Gln. To our knowledge, this variant has not been reported in the literature. This variant is reported in 0.032% of alleles in individuals of African descent in gnomAD. At this time, the clinical significance of this variant is uncertain due to the absence of conclusive functional and genetic evidence.

Illumina Laboratory Services, Illumina
Classification: Uncertain significance for Factor XIII, A subunit, deficiency of. Last evaluated: 2018-01-13. Review status: criteria provided, single submitter. Criteria: ICSL Variant Classification Criteria 13 December 2019. Collection method: clinical testing. Allele origin: germline.

NM_000129.4(F13A1):c.911G>A (p.Arg304Gln)

Gene: F13A1 (coagulation factor XIII A chain; minus strand). Cytogenetic location: 6p25.1.
Variant type: single nucleotide variant.
Coding change: c.911G>A on transcript NM_000129.4 (MANE Select); coding-DNA position 911, G replaced by A.
Protein change: p.Arg304Gln; replaces arginine 304 with glutamine.
Molecular consequence: missense variant.
Genome position (GRCh38, 1-based): chr6:6,224,748, C>T on the plus strand (G>A on the coding strand, the complement: F13A1 is on the minus strand). VCF-style: chr6-6224748-C-T. GRCh37 (hg19) VCF-style: chr6-6224981-C-T.
Other names: short protein forms R304Q.
Identifiers: ClinVar variation 908778 (VCV000908778.6), dbSNP rs139164988, ClinGen allele CA3624514.